The following is an entry in ClinVar:

ClinVar aggregate classification (germline): Uncertain significance (1 of 4 stars; one submission).

Conditions:
Early-infantile DEE. Also called: Early infantile epileptic encephalopathy; Early infantile epileptic encephalopathy with suppression bursts; Ohtahara syndrome. Identifiers: Orphanet 1934, MedGen C0393706, MONDO:0800491.

Submission:

Labcorp Genetics (formerly Invitae), Labcorp
Classification: Uncertain significance for Early-infantile DEE. Last evaluated: 2024-05-15. Review status: criteria provided, single submitter. Criteria: Invitae Variant Classification Sherloc (09022015). Collection method: clinical testing. Allele origin: germline.
Comment: This sequence change falls in intron 20 of the SCN1A gene. It does not directly change the encoded amino acid sequence of the SCN1A protein. However, this sequence change falls within a region encompassing a cryptic exon in the SCN1A gene, in which variants have been shown to alter splicing (PMID: 30526861, 34107977). This variant is not present in population databases (gnomAD no frequency). This variant has not been reported in the literature in individuals affected with SCN1A-related conditions. Algorithms developed to predict the effect of sequence changes on RNA splicing suggest that this variant is not likely to affect RNA splicing. In summary, the available evidence is currently insufficient to determine the role of this variant in disease. Therefore, it has been classified as a Variant of Uncertain Significance.

Literature cited by the submitters: PubMed 30526861; PubMed 34107977.

NM_001165963.4(SCN1A):c.4002+2395_4002+2398dup

Genes: SCN1A (sodium voltage-gated channel alpha subunit 1; minus strand), LOC102724058 (uncharacterized LOC102724058; plus strand). Cytogenetic location: 2q24.3.
Variant type: Duplication.
Coding change: c.4002+2395_4002+2398dup on transcript NM_001165963.4 (MANE Select); bases 2395 to 2398 of the intron after coding-DNA position 4002, 4 bases duplicated (ATAA; older notation c.4002+2395_4002+2398dupATAA).
Molecular consequence: intron variant.
Genome position (GRCh38, 1-based): chr2:166,007,321-166,007,324, TTAT duplicated on the plus strand (ATAA on the coding strand, the reverse complement: SCN1A is on the minus strand); duplicating any 4 consecutive bases within chr2:166,007,321-166,007,325 gives the same sequence; the c. name uses the placement nearest the transcript's 3' end. VCF-style (leftmost placement, unchanged base first): chr2-166007320-G-GTTAT. GRCh37 (hg19) VCF-style: chr2-166863830-G-GTTAT.
Other names: c.3969+2395_3969+2398dup (NM_001353951.2, NM_001353952.2, NM_006920.6 and 2 more transcripts); c.4002+2395_4002+2398dup (NM_001353948.2, NM_001202435.3); c.3915+2395_3915+2398dup (NM_001353960.2); c.3966+2395_3966+2398dup (NM_001353954.2, NM_001353955.2); c.3918+2395_3918+2398dup (NM_001165964.3, NM_001353958.2, NM_001353957.2); c.1560+2395_1560+2398dup (NM_001353961.2).
Identifiers: ClinVar variation 2839705 (VCV002839705.3), dbSNP rs2468471790, ClinGen allele CA2739271473.